The following is an entry in ClinVar:

ClinVar aggregate classification (germline): Uncertain significance (1 of 4 stars; one submission).

Submission:

GeneDx
Classification: Uncertain significance. Last evaluated: 2023-09-22. Review status: criteria provided, single submitter. Criteria: GeneDx Variant Classification Process June 2021. Collection method: clinical testing. Allele origin: germline. Affected: yes.
Comment: Not observed at significant frequency in large population cohorts (gnomAD); In silico analysis supports that this missense variant has a deleterious effect on protein structure/function; This variant is associated with the following publications: (PMID: 32553838)

NM_000037.4(ANK1):c.353C>A (p.Ala118Glu)

Gene: ANK1 (ankyrin 1; minus strand). Cytogenetic location: 8p11.21.
Variant type: single nucleotide variant.
Coding change: c.353C>A on transcript NM_000037.4 (MANE Select); coding-DNA position 353, C replaced by A.
Protein change: p.Ala118Glu; replaces alanine 118 with glutamic acid.
Molecular consequence: missense variant.
Genome position (GRCh38, 1-based): chr8:41,727,323, G>T on the plus strand (C>A on the coding strand, the complement: ANK1 is on the minus strand). VCF-style: chr8-41727323-G-T. GRCh37 (hg19) VCF-style: chr8-41584841-G-T.
Other names: c.452C>A, p.Ala151Glu (NM_001142446.2); c.353C>A, p.Ala118Glu (NM_020475.3, NM_020476.3, NM_020477.3); short protein forms A118E, A151E.
Identifiers: ClinVar variation 2580793 (VCV002580793.1), dbSNP rs2486997466, ClinGen allele CA371045324.